The following is an entry in ClinVar:

ClinVar aggregate classification (germline): Pathogenic (1 of 4 stars; one submission).

Conditions:
Hypohidrotic X-linked ectodermal dysplasia (XHED). Also called: Anhidrotic ectodermal dysplasia X-linked; Christ Siemens Touraine syndrome; ECTODERMAL DYSPLASIA 1, HYPOHIDROTIC, X-LINKED; Christ-Siemans-Touraine syndrome; ECTODERMAL DYSPLASIA 1; ECTODERMAL DYSPLASIA 1, HYPOHIDROTIC/HAIR/TOOTH TYPE, X-LINKED. Identifiers: Orphanet 181, Orphanet 238468, MedGen C0162359, MONDO:0010585, OMIM 305100.

Submission:

Labcorp Genetics (formerly Invitae), Labcorp
Classification: Pathogenic for Hypohidrotic X-linked ectodermal dysplasia. Last evaluated: 2019-10-03. Review status: criteria provided, single submitter. Criteria: Invitae Variant Classification Sherloc (09022015). Collection method: clinical testing. Allele origin: germline.
Comment: This variant is an out-of-frame deletion of the genomic region encompassing exon 2 of the EDA gene. This is expected to create a premature translational stop signal and result in an absent or disrupted protein product. This variant has been observed in several individuals with ectodermal dysplasia (PMID: 8696334, 27305980, 23293949, Invitae). Loss-of-function variants in EDA are known to be pathogenic (PMID: 9683615). For these reasons, this variant has been classified as Pathogenic.

Literature cited by the submitters: PubMed 8696334; PubMed 27305980; PubMed 23293949.

NC_000023.10:g.(?_68890034)_(69177002_?)del

Gene: EDA (ectodysplasin A; plus strand). Cytogenetic location: Xq13.1.
Variant type: Deletion.
Identifiers: ClinVar variation 652393 (VCV000652393.2).